The following is an entry in ClinVar:

NM_030943.4(AMN):c.1014_1021del (p.Leu339fs)

Genes: AMN (amnion associated transmembrane protein; plus strand), LOC130056554 (ATAC-STARR-seq lymphoblastoid silent region 6136; plus strand). Cytogenetic location: 14q32.32.
Variant type: Deletion.
Coding change: c.1014_1021del on transcript NM_030943.4 (MANE Select); coding-DNA positions 1014 to 1021, 8 bases deleted (CCTCGGCG; older notation c.1014_1021delCCTCGGCG).
Protein change: p.Leu339fs; shifts the reading frame from leucine 339.
Molecular consequence: frameshift variant.
Genome position (GRCh38, 1-based): chr14:102,930,172-102,930,179, CCTCGGCG deleted. VCF-style (leftmost placement, unchanged base first): chr14-102930171-CCCTCGGCG-C. GRCh37 (hg19) VCF-style: chr14-103396508-CCCTCGGCG-C.
Other names: c.1014_1021delCCTCGGCG (NM_030943.3); short protein forms L339fs.
Identifiers: ClinVar variation 56744 (VCV000056744.2), dbSNP rs386834163, ClinGen allele CA144402.
Genomic context (GRCh38, chr14:102,930,171, plus strand): 5'-CCCGCCGCGCCTCGCCCCGCCGCGGGGAAGACTGAGCCGGCCCCTCCGTCGCAGGCGAGG[CCCTCGGCG>C]TCCTGGAGGCGACCATGCGGGAGTCGGGCGCACACGTCTGGGGCAGCTCCGCGGCTGGGC-3'

ClinVar aggregate classification (germline): Likely pathogenic (0 of 4 stars; one submission).

Conditions:
Imerslund-Grasbeck syndrome. Also called: PERNICIOUS ANEMIA, JUVENILE, DUE TO SELECTIVE INTESTINAL MALABSORPTION OF VITAMIN B12, WITH PROTEINURIA; Megaloblastic anemia due to inborn errors of metabolism; Imerslund-Gräsbeck syndrome; ENTEROCYTE COBALAMIN MALABSORPTION; ENTEROCYTE INTRINSIC FACTOR RECEPTOR, DEFECT OF. Identifiers: Orphanet 35858, MedGen C4551825, MONDO:0009853.

Allele frequency attached by ClinVar (database versions not stated): gnomAD exomes below 0.00001.

Submission:

Juha Muilu Group; Institute for Molecular Medicine Finland (FIMM)
Classification: Likely pathogenic for Megaloblastic anemia due to inborn errors of metabolism. Review status: no assertion criteria provided. Collection method: not provided. Allele origin: unknown.
Comment: FinDis database variant: This variant was not found or characterized by our laboratory, data were collected from public sources: see reference
ClinVar note: Converted during submission from probable-pathogenic to Likely pathogenic.